The following is an entry in ClinVar:

ClinVar aggregate classification (germline): Uncertain significance (1 of 4 stars; one submission).

Submission:

Centre of Medical Genetics, University Hospital Muenster
Classification: Uncertain significance. Last evaluated: 2021-12-04. Review status: criteria provided, single submitter. Criteria: ACMG Guidelines, 2015. Collection method: clinical testing. Allele origin: unknown. Affected: yes. Observed: 1 variant allele, 1 heterozygote.
Comment: ACMG categories: PM1,PM2,BP1

NM_024989.4(PGAP1):c.2438T>C (p.Leu813Pro)

Gene: PGAP1 (post-GPI attachment to proteins inositol deacylase 1; minus strand). Cytogenetic location: 2q33.1.
Variant type: single nucleotide variant.
Coding change: c.2438T>C on transcript NM_024989.4 (MANE Select); coding-DNA position 2438, T replaced by C.
Protein change: p.Leu813Pro; replaces leucine 813 with proline.
Molecular consequence: missense variant.
Genome position (GRCh38, 1-based): chr2:196,843,975, A>G on the plus strand (T>C on the coding strand, the complement: PGAP1 is on the minus strand). VCF-style: chr2-196843975-A-G. GRCh37 (hg19) VCF-style: chr2-197708699-A-G.
Other names: c.1916T>C, p.Leu639Pro (NM_001321099.2); c.1271T>C, p.Leu424Pro (NM_001321100.2); short protein forms L424P, L639P, L813P.
Identifiers: ClinVar variation 1708441 (VCV001708441.2), dbSNP rs2469090486, ClinGen allele CA350184291.